The following is an entry in ClinVar:

ClinVar aggregate classification (germline): Pathogenic (1 of 4 stars; one submission).

Conditions:
Familial cancer of breast. Also called: Hereditary breast cancer; BREAST CANCER, FAMILIAL; hereditary breast carcinoma. Identifiers: Orphanet 227535, MedGen C0346153, MONDO:0016419, OMIM 114480. Disease mechanism: loss of function.

Submission:

Myriad Genetics, Inc.
Classification: Pathogenic for Familial cancer of breast. Last evaluated: 2023-05-31. Review status: criteria provided, single submitter. Criteria: Myriad Autosomal Dominant, Autosomal Recessive and X-Linked Classification Criteria (2023). Collection method: clinical testing. Allele origin: unknown.
Comment: This variant is considered pathogenic. This variant creates a termination codon and is predicted to result in premature protein truncation.

NM_032043.3(BRIP1):c.568G>T (p.Gly190Ter)

Gene: BRIP1 (BRCA1 interacting DNA helicase 1; minus strand). Cytogenetic location: 17q23.2.
Variant type: single nucleotide variant.
Coding change: c.568G>T on transcript NM_032043.3 (MANE Select); coding-DNA position 568, G replaced by T.
Protein change: p.Gly190Ter; replaces glycine 190 with a stop codon.
Molecular consequence: nonsense.
Genome position (GRCh38, 1-based): chr17:61,847,160, C>A on the plus strand (G>T on the coding strand, the complement: BRIP1 is on the minus strand). VCF-style: chr17-61847160-C-A. GRCh37 (hg19) VCF-style: chr17-59924521-C-A.
Other names: short protein forms G190*.
Identifiers: ClinVar variation 2583568 (VCV002583568.2), dbSNP rs2145743494, ClinGen allele CA400483074.